The following is an entry in ClinVar:

NM_001030001.4(RPS29):c.197G>A (p.Trp66Ter)

Gene: RPS29 (ribosomal protein S29; minus strand). Cytogenetic location: 14q21.3.
Variant type: single nucleotide variant.
Coding change: c.197G>A on transcript NM_001030001.4; coding-DNA position 197, G replaced by A.
Protein change: p.Trp66Ter; replaces tryptophan 66 with a stop codon.
Molecular consequence: nonsense.
Genome position (GRCh38, 1-based): chr14:49,577,819, C>T on the plus strand (G>A on the coding strand, the complement: RPS29 is on the minus strand). VCF-style: chr14-49577819-C-T. GRCh37 (hg19) VCF-style: chr14-50044537-C-T.
Other names: short protein forms W66*.
Identifiers: ClinVar variation 4983159 (VCV004983159.1).

ClinVar aggregate classification (germline): Uncertain significance (1 of 4 stars; one submission).

Conditions:
RPS29-related disorder. Also called: RPS29-related condition.

gnomAD v4.1: 2 of 1,603,374 alleles (0.00012%); highest among the groups gnomAD compares: African/African-American, 0.0027%; no homozygotes.

Submission:

PreventionGenetics, part of Exact Sciences
Classification: Uncertain significance for RPS29-related condition. Last evaluated: 2024-11-07. Review status: criteria provided, single submitter. Criteria: ACMG Guidelines, 2015. Collection method: clinical testing. Allele origin: germline.
Comment: The RPS29 c.197G>A variant is predicted to result in premature protein termination (p.Trp66*). To our knowledge, this variant has not been reported in the literature. This variant is reported in 0.0068% of alleles in individuals of African descent in gnomAD. This variant is also known as a post-coding change c.*5848G>A on an alternate transcript NM_001032. At this time, the clinical significance of this variant is uncertain due to the absence of conclusive functional and genetic evidence.